The following is an entry in ClinVar:

NM_002055.5(GFAP):c.1171+472G>A

Gene: GFAP (glial fibrillary acidic protein; minus strand). Cytogenetic location: 17q21.31.
Variant type: single nucleotide variant.
Coding change: c.1171+472G>A on transcript NM_002055.5 (MANE Select); 472 bases into the intron after coding-DNA position 1171, G replaced by A.
Molecular consequence: intron variant. On other transcripts: missense variant (2), 3 prime UTR variant (1).
Genome position (GRCh38, 1-based): chr17:44,910,143, C>T on the plus strand (G>A on the coding strand, the complement: GFAP is on the minus strand). VCF-style: chr17-44910143-C-T. GRCh37 (hg19) VCF-style: chr17-42987511-C-T.
Other names: c.1289G>A, p.Arg430His (NM_001131019.3, NM_001363846.2); c.*326G>A (NM_001242376.3); short protein forms R430H.
Identifiers: ClinVar variation 190367 (VCV000190367.8), dbSNP rs748860341, ClinGen allele CA347239.
Genomic context (GRCh38, chr17:44,910,143, plus strand): 5'-GAGGCTCACTCCCTGTCAAGCTGGGCAAAGCGCCGTGTCTGAGAGGCAGGCAGCTAACCG[C>T]GAGCCGGCGGCGTTCCATTTACAATCTGGTGAGCCTGTATTGGTATAACTCGTATTGTGA-3'

ClinVar aggregate classification (germline): Conflicting classifications of pathogenicity. Review status: criteria provided, conflicting classifications (1 of 4 stars). 4 submissions from 4 submitters: Likely pathogenic (2); Uncertain significance (1). 1 of the submissions does not count toward it. Last evaluated 2025-09-25.

Conditions:
GFAP-related disorder. Also called: GFAP-related condition; GFAP-related disorders.
Alexander disease (ALXDRD). Also called: Alexander's disease. Identifiers: Orphanet 58, MedGen C0270726, MONDO:0008752, OMIM 203450.

gnomAD v4.1: 5 of 1,613,924 alleles (0.00031%); highest among the groups gnomAD compares: Middle Eastern, 0.016%; no homozygotes.

Submissions (4):

PreventionGenetics, part of Exact Sciences
Classification: Likely pathogenic for GFAP-related condition. Last evaluated: 2025-09-25. Review status: criteria provided, single submitter. Criteria: ACMG Guidelines, 2015. Collection method: clinical testing. Allele origin: germline.
Comment: The GFAP c.1289G>A variant is predicted to result in the amino acid substitution p.Arg430His. This variant, also known as c.1171+472G>A using NM_002055, is predicted to alter splicing based on available splicing prediction programs (SpliceAI, Jaganathan et al. 2019. PubMed ID: 30661751; Alamut Visual v1.6.1). However, the use of computer prediction programs is not equivalent to functional evidence. This variant has been reported in individuals with adult-onset Alexander disease and has been shown to segregate with disease (Melchionda et al. 2013. PubMed ID: 23634874; Karp et al. 2019. PubMed ID: 30048824; Helman et al. 2020. PubMed ID: 32126152; Pinto e Vairo et al. 2018. PubMed ID: 30355306). Functional studies in human astrocytoma cells suggest that p.Arg430His may impact protein function (Melchionda et al. 2013. PubMed ID: 23634874). This variant is reported in 0.010% of alleles in individuals of Ashkenazi Jewish descent in gnomAD. This variant is interpreted as likely pathogenic.

Athena Diagnostics
Classification: Likely pathogenic. Last evaluated: 2022-11-21. Review status: criteria provided, single submitter. Criteria: Athena Diagnostics Criteria. Collection method: clinical testing. Allele origin: unknown.
Comment: The frequency of this variant in the general population is consistent with pathogenicity. This variant has been identified in at least one individual with adult-onset Alexander disease. Assessment of experimental evidence suggests this variant results in abnormal RNA splicing and protein function (PMID: 23634874, 32126152).

GeneDx
Classification: Uncertain significance. Last evaluated: 2021-03-05. Review status: criteria provided, single submitter. Criteria: GeneDx Variant Classification Process June 2021. Collection method: clinical testing. Allele origin: germline. Affected: yes.
Comment: In silico analysis supports that this variant does not alter splicing; This variant is associated with the following publications: (PMID: 23634874, 30048824, 32126152, 30355306, 33144682)

GeneReviews
No classification provided. Condition: Alexander disease. Review status: no classification provided. Collection method: literature only. Allele origin: germline. Not counted in ClinVar's aggregate classification.

Literature cited by the submitters: PubMed 23634874 (cited by Athena Diagnostics and GeneReviews); PubMed 30048824 (cited by Athena Diagnostics and GeneReviews); PubMed 32126152 (cited by Athena Diagnostics and GeneReviews); PubMed 30355306 (cited by Athena Diagnostics); PubMed 30293991 (cited by Athena Diagnostics); PubMed 27697855 (cited by Athena Diagnostics); NCBI Bookshelf NBK1172 (cited by GeneReviews).